The following is an entry in ClinVar:

ClinVar aggregate classification (germline): Uncertain significance. Review status: criteria provided, single submitter (1 of 4 stars). 2 submissions from 2 submitters: Uncertain significance (1). 1 of the submissions does not count toward it. Last evaluated 2025-11-12.

Conditions:
Hereditary hyperinsulinism.

gnomAD v4.1: 5 of 1,613,894 alleles (0.00031%); highest among the groups gnomAD compares: East Asian, 0.0022%; no homozygotes.

Submissions (2):

Women's Health and Genetics/Laboratory Corporation of America, LabCorp
Classification: Uncertain significance. Last evaluated: 2025-11-12. Review status: criteria provided, single submitter. Criteria: LabCorp Variant Classification Summary - May 2015. Collection method: clinical testing. Allele origin: germline.
Comment: Variant summary: ABCC8 c.2162C>T (p.Ser721Leu) results in a non-conservative amino acid change in the encoded protein sequence. Algorithms developed to predict the effect of missense changes on protein structure and function all suggest that this variant is likely to be disruptive. The variant allele was found at a frequency of 4e-06 in 251164 control chromosomes. The available data on variant occurrences in the general population are insufficient to allow any conclusion about variant significance. To our knowledge, no occurrence of c.2162C>T in individuals affected with ABCC8-related conditions and no experimental evidence demonstrating its impact on protein function have been reported. ClinVar contains an entry for this variant (Variation ID: 4061681). Based on the evidence outlined above, the variant was classified as uncertain significance.

Natera, Inc.
Classification: Uncertain significance for Hereditary hyperinsulinism. Last evaluated: 2025-03-17. Review status: no assertion criteria provided. Collection method: clinical testing. Allele origin: germline. Not counted in ClinVar's aggregate classification.

NM_000352.6(ABCC8):c.2162C>T (p.Ser721Leu)

Gene: ABCC8 (ATP binding cassette subfamily C member 8; minus strand). Cytogenetic location: 11p15.1.
Variant type: single nucleotide variant.
Coding change: c.2162C>T on transcript NM_000352.6 (MANE Select); coding-DNA position 2162, C replaced by T.
Protein change: p.Ser721Leu; replaces serine 721 with leucine.
Molecular consequence: missense variant. On other transcripts: non-coding transcript variant (1).
Genome position (GRCh38, 1-based): chr11:17,427,109, G>A on the plus strand (C>T on the coding strand, the complement: ABCC8 is on the minus strand). VCF-style: chr11-17427109-G-A. GRCh37 (hg19) VCF-style: chr11-17448656-G-A.
Other names: c.2162C>T, p.Ser721Leu (NM_001287174.3); c.2228C>T, p.Ser743Leu (NM_001351295.2); c.2159C>T, p.Ser720Leu (NM_001351296.2, NM_001351297.2); short protein forms S720L, S721L, S743L.
Identifiers: ClinVar variation 4061681 (VCV004061681.2).
Genomic context (GRCh38, chr11:17,427,109, plus strand): 5'-CTGCTCCAGAAGACAGCCCCTGAGACCTTCTGCATCTCCCCCAGTGCGGCTAGAAGGAGC[G>A]AGGACTTGCCGCAGCCCACCTGCCCCACGATCATAGTCAGCTGGCCTGCAGGGAGGGAGG-3'
Protein context (NP_000343.2, residues 711-731): IVGQVGCGKS[Ser721Leu]LLLAALGEMQ